The following is an entry in ClinVar:

ClinVar aggregate classification (germline): Uncertain significance (1 of 4 stars; one submission).

Conditions:
Dilated cardiomyopathy 1AA (CMD1AA). Also called: CARDIOMYOPATHY, DILATED, 1AA, WITH OR WITHOUT LEFT VENTRICULAR NONCOMPACTION; CARDIOMYOPATHY, FAMILIAL HYPERTROPHIC, 23, WITH OR WITHOUT LEFT VENTRICULAR NONCOMPACTION; Cardiomyopathy, dilated, 1AA, with or without LVNC. Identifiers: Orphanet 154, MedGen C2677338, MONDO:0012808, OMIM 612158.
Primary familial hypertrophic cardiomyopathy (HCM). Identifiers: Orphanet 99739, MedGen C0949658, MeSH D024741, MONDO:0024573. Inheritance: Various modes of inheritance.

Submission:

Labcorp Genetics (formerly Invitae), Labcorp
Classification: Uncertain significance for Primary familial hypertrophic cardiomyopathy; Dilated cardiomyopathy 1AA. Last evaluated: 2016-01-10. Review status: criteria provided, single submitter. Criteria: Invitae Variant Classification Sherloc (09022015). Collection method: clinical testing. Allele origin: germline.
Comment: In summary, this is a novel truncating variant with uncertain impact on protein function. It has been classified as a Variant of Uncertain Significance. While this particular variant has not been reported in the literature, truncating variants in the last exon of genes are not necessarily deleterious (PMID: 24274751), and the clinical significance of this variant is uncertain at this time. This sequence change deletes 2 nucleotides from exon 21 of the ACTN2 mRNA (c.2631_2632delTG), causing a frameshift at codon 878. This creates a premature translational stop signal in the last exon of the ACTN2 mRNA (p.Ala878Thrfs*61). While this is not anticipated to result in nonsense mediated decay, it is expected to result in a truncated ACTN2 protein.

Literature cited by the submitters: PubMed 24274751.

NM_001103.4(ACTN2):c.2631_2632del (p.Ala878fs)

Gene: ACTN2 (actinin alpha 2; plus strand). Cytogenetic location: 1q43.
Variant type: Deletion.
Coding change: c.2631_2632del on transcript NM_001103.4 (MANE Select); coding-DNA positions 2631 to 2632, 2 bases deleted (TG; older notation c.2631_2632delTG).
Protein change: p.Ala878fs; shifts the reading frame from alanine 878.
Molecular consequence: frameshift variant.
Genome position (GRCh38, 1-based): chr1:236,762,565-236,762,566, TG deleted; deleting any 2 consecutive bases within chr1:236,762,564-236,762,566 gives the same sequence; the c. name uses the placement nearest the transcript's 3' end. VCF-style (leftmost placement, unchanged base first): chr1-236762563-GGT-G. GRCh37 (hg19) VCF-style: chr1-236925863-GGT-G.
Other names: c.2631_2632delTG (NM_001103.3); c.2631_2632del, p.Ala878fs (NM_001278343.2); c.2007_2008del, p.Ala670fs (NM_001278344.2); short protein forms A670fs, A878fs.
Identifiers: ClinVar variation 238301 (VCV000238301.7), dbSNP rs878854174, ClinGen allele CA10581770.
Genomic context (GRCh38, chr1:236,762,563, plus strand): 5'-GATCAGGCCCAGTACTGCATCAAGAGGATGCCCGCCTACTCGGGCCCAGGCAGTGTGCCT[GGT>G]GCACTGGATTACGCTGCGTTCTCTTCCGCACTCTACGGGGAGAGCGATCTGTGATGCTGA-3'